The following is an entry in ClinVar:

ClinVar aggregate classification (germline): Likely pathogenic. Review status: criteria provided, multiple submitters, no conflicts (2 of 4 stars). 2 submissions from 2 submitters: Likely pathogenic (2). Last evaluated 2025-03-19.

Conditions:
Cerebral folate transport deficiency. Also called: NEURODEGENERATION DUE TO CEREBRAL FOLATE TRANSPORT DEFICIENCY; FOLR1-Related Cerebral Folate Transport Deficiency; FOLATE RECEPTOR DEFICIENCY; Neurodegenerative syndrome due to cerebral folate transport deficiency; Cerebral folate deficiency syndrome. Identifiers: Orphanet 217382, MedGen C2751584, MONDO:0013110, OMIM 613068. Disease mechanism: loss of function.

Allele frequency attached by ClinVar (database versions not stated): gnomAD exomes below 0.00001; ExAC 0.00001; gnomAD 0.00001; TOPMed 0.00001; ESP Exome Variant Server 0.00008.
gnomAD v4.1: 4 of 1,614,082 alleles (0.00025%); highest among the groups gnomAD compares: Non-Finnish European, 0.00034%; no homozygotes.

Submissions (2):

Labcorp Genetics (formerly Invitae), Labcorp
Classification: Likely pathogenic for Cerebral folate transport deficiency. Last evaluated: 2025-03-19. Review status: criteria provided, single submitter. Criteria: Invitae Variant Classification Sherloc (09022015). Collection method: clinical testing. Allele origin: germline.
Comment: This sequence change affects an acceptor splice site in intron 3 of the FOLR1 gene. It is expected to disrupt RNA splicing. Variants that disrupt the donor or acceptor splice site typically lead to a loss of protein function (PMID: 16199547), and loss-of-function variants in FOLR1 are known to be pathogenic (PMID: 19732866, 22586289). This variant is present in population databases (rs369395654, gnomAD 0.0009%). This variant has not been reported in the literature in individuals affected with FOLR1-related conditions. ClinVar contains an entry for this variant (Variation ID: 1067993). Algorithms developed to predict the effect of sequence changes on RNA splicing suggest that this variant may disrupt the consensus splice site. In summary, the currently available evidence indicates that the variant is pathogenic, but additional data are needed to prove that conclusively. Therefore, this variant has been classified as Likely Pathogenic.

GeneDx
Classification: Likely pathogenic. Last evaluated: 2020-04-06. Review status: criteria provided, single submitter. Criteria: GeneDx Variant Classification Process June 2021. Collection method: clinical testing. Allele origin: germline. Affected: yes.
Comment: Canonical splice site variant in a gene for which loss-of-function is a known mechanism of disease; Not observed in large population cohorts (Lek et al., 2016); Has not been previously published as pathogenic or benign to our knowledge

Literature cited by the submitters: PubMed 16199547 (cited by Labcorp Genetics (formerly Invitae), Labcorp); PubMed 19732866 (cited by Labcorp Genetics (formerly Invitae), Labcorp); PubMed 22586289 (cited by Labcorp Genetics (formerly Invitae), Labcorp).

NM_016729.3(FOLR1):c.358-2A>G

Genes: FOLR1-AS1 (FOLR1 antisense RNA 1; minus strand), FOLR1 (folate receptor alpha; plus strand). Cytogenetic location: 11q13.4.
Variant type: single nucleotide variant.
Coding change: c.358-2A>G on transcript NM_016729.3 (MANE Select); the canonical splice acceptor site of the intron before coding-DNA position 358, A replaced by G.
Molecular consequence: splice acceptor variant.
Genome position (GRCh38, 1-based): chr11:72,195,610, A>G. VCF-style: chr11-72195610-A-G. GRCh37 (hg19) VCF-style: chr11-71906654-A-G.
Other names: c.358-2A>G (NM_016724.3, NM_016725.3, NM_000802.3).
Identifiers: ClinVar variation 1067993 (VCV001067993.10), dbSNP rs369395654, ClinGen allele CA6169175.